The following is an entry in ClinVar:

NM_198253.3(TERT):c.2461del (p.Arg821fs)

Gene: TERT (telomerase reverse transcriptase; minus strand). Cytogenetic location: 5p15.33.
Variant type: Deletion.
Coding change: c.2461del on transcript NM_198253.3 (MANE Select); coding-DNA position 2461, one base deleted (A; older notation c.2461delA).
Protein change: p.Arg821fs; shifts the reading frame from arginine 821.
Molecular consequence: frameshift variant.
Genome position (GRCh38, 1-based): chr5:1,271,126, T deleted on the plus strand (A on the coding strand, the reverse complement: TERT is on the minus strand). VCF-style (leftmost placement, unchanged base first): chr5-1271125-CT-C. GRCh37 (hg19) VCF-style: chr5-1271240-CT-C.
Other names: c.2461del, p.Arg821fs (NM_001193376.3); c.2461del (NM_198253.2); short protein forms R821fs.
Identifiers: ClinVar variation 1457059 (VCV001457059.7), dbSNP rs2126614292, ClinGen allele CA2573138557.

ClinVar aggregate classification (germline): Pathogenic/Likely pathogenic. Review status: criteria provided, multiple submitters, no conflicts (2 of 4 stars). 2 submissions from 2 submitters: Pathogenic (1); Likely pathogenic (1). Last evaluated 2024-06-13.

Conditions:
Idiopathic Pulmonary Fibrosis. Also called: Idiopathic fibrosing alveolitis, chronic form; idiopathic fibrosing alveolitis. Identifiers: Orphanet 2032, MedGen C1800706, MeSH D054990, MONDO:0800504.
Dyskeratosis congenita, autosomal dominant 2. Identifiers: MedGen C3151443, MONDO:0013521, OMIM 613989.

Allele frequency attached by ClinVar (database versions not stated): gnomAD exomes below 0.00001.

Submissions (2):

GeneDx
Classification: Likely pathogenic. Last evaluated: 2024-06-13. Review status: criteria provided, single submitter. Criteria: GeneDx Variant Classification Process June 2021. Collection method: clinical testing. Allele origin: germline. Affected: yes.
Comment: Frameshift variant predicted to result in protein truncation or nonsense mediated decay in a gene for which loss-of-function is a known mechanism of disease; Not observed at significant frequency in large population cohorts (gnomAD); Has not been previously published as pathogenic or benign to our knowledge

Labcorp Genetics (formerly Invitae), Labcorp
Classification: Pathogenic for Dyskeratosis congenita, autosomal dominant 2; Idiopathic Pulmonary Fibrosis. Last evaluated: 2024-01-11. Review status: criteria provided, single submitter. Criteria: Invitae Variant Classification Sherloc (09022015). Collection method: clinical testing. Allele origin: germline.
Comment: This sequence change creates a premature translational stop signal (p.Arg821Glyfs*53) in the TERT gene. It is expected to result in an absent or disrupted protein product. Loss-of-function variants in TERT are known to be pathogenic (PMID: 16247010, 17460043). This variant is not present in population databases (gnomAD no frequency). This variant has not been reported in the literature in individuals affected with TERT-related conditions. ClinVar contains an entry for this variant (Variation ID: 1457059). For these reasons, this variant has been classified as Pathogenic.

Literature cited by the submitters: PubMed 16247010 (cited by Labcorp Genetics (formerly Invitae), Labcorp); PubMed 17460043 (cited by Labcorp Genetics (formerly Invitae), Labcorp).